The following is an entry in ClinVar:

NM_020453.4(ATP10D):c.3130C>T (p.Arg1044Cys)

Gene: ATP10D (ATPase phospholipid transporting 10D (putative); plus strand). Cytogenetic location: 4p12.
Variant type: single nucleotide variant.
Coding change: c.3130C>T on transcript NM_020453.4 (MANE Select); coding-DNA position 3130, C replaced by T.
Protein change: p.Arg1044Cys; replaces arginine 1044 with cysteine.
Molecular consequence: missense variant.
Genome position (GRCh38, 1-based): chr4:47,569,113, C>T. VCF-style: chr4-47569113-C-T. GRCh37 (hg19) VCF-style: chr4-47571130-C-T.
Other names: short protein forms R1044C.
Identifiers: ClinVar variation 4644086 (VCV004644086.1).
Genomic context (GRCh38, chr4:47,569,113, plus strand): 5'-CAAGCTGTGGTCTGCTGCCGAGCCACACCGCTGCAGAAAAGTGAAGTGGTGAAATTGGTC[C>T]GCAGCCATCTCCAGGTGATGACCCTTGCTATTGGTGAGTGAGGATGAATCTGAGTCCTGC-3'
Protein context (NP_065186.3, residues 1034-1054): LQKSEVVKLV[Arg1044Cys]SHLQVMTLAI

ClinVar aggregate classification (germline): Uncertain significance (1 of 4 stars; one submission).

gnomAD v4.1: 13 of 1,613,862 alleles (0.00081%); highest among the groups gnomAD compares: African/African-American, 0.0053%; no homozygotes.

Submission:

Ambry Genetics
Classification: Uncertain significance. Last evaluated: 2025-10-21. Review status: criteria provided, single submitter. Criteria: Ambry Variant Classification Scheme 2023. Collection method: clinical testing. Allele origin: germline.
Comment: The c.3130C>T (p.R1044C) alteration is located in exon 16 (coding exon 15) of the ATP10D gene. This alteration results from a C to T substitution at nucleotide position 3130, causing the arginine (R) at amino acid position 1044 to be replaced by a cysteine (C). Based on data from gnomAD, the T allele has an overall frequency of 0.001% (3/281064) total alleles studied. The highest observed frequency was 0.012% (3/24936) of African alleles. Based on insufficient or conflicting evidence, the clinical significance of this alteration remains unclear.